The following is an entry in ClinVar:

NM_001130009.3(GEN1):c.2519T>G (p.Leu840Trp)

Gene: GEN1 (GEN1 Holliday junction 5' flap endonuclease; plus strand). Cytogenetic location: 2p24.2.
Variant type: single nucleotide variant.
Coding change: c.2519T>G on transcript NM_001130009.3 (MANE Select); coding-DNA position 2519, T replaced by G.
Protein change: p.Leu840Trp; replaces leucine 840 with tryptophan.
Molecular consequence: missense variant.
Genome position (GRCh38, 1-based): chr2:17,781,731, T>G. VCF-style: chr2-17781731-T-G. GRCh37 (hg19) VCF-style: chr2-17962998-T-G.
Other names: c.2519T>G, p.Leu840Trp (NM_182625.5); short protein forms L840W.
Identifiers: ClinVar variation 4029315 (VCV004029315.1).

ClinVar aggregate classification (germline): Uncertain significance (1 of 4 stars; one submission).

Submission:

Ambry Genetics
Classification: Uncertain significance. Last evaluated: 2025-05-24. Review status: criteria provided, single submitter. Criteria: Ambry Variant Classification Scheme 2023. Collection method: clinical testing. Allele origin: germline.
Comment: The p.L840W variant (also known as c.2519T>G), located in coding exon 13 of the GEN1 gene, results from a T to G substitution at nucleotide position 2519. The leucine at codon 840 is replaced by tryptophan, an amino acid with similar properties. This amino acid position is conserved. In addition, this alteration is predicted to be tolerated by in silico analysis. Based on the available evidence, the clinical significance of this variant remains unclear.